The following is an entry in ClinVar:

ClinVar aggregate classification (germline): Uncertain significance. Review status: criteria provided, multiple submitters, no conflicts (2 of 4 stars). 2 submissions from 2 submitters: Uncertain significance (2). Last evaluated 2026-08-02.

Conditions:
Hereditary cancer-predisposing syndrome. Also called: Tumor predisposition; Hereditary Cancer Syndrome; Hereditary neoplastic syndrome; Neoplastic Syndromes, Hereditary. Identifiers: Orphanet 140162, MedGen C0027672, MeSH D009386, MONDO:0015356.
EGFR-related lung cancer (EGFR). Identifiers: MedGen CN130014.

Submissions (2):

Ambry Genetics
Classification: Uncertain significance for Hereditary cancer-predisposing syndrome. Last evaluated: 2026-08-02. Review status: criteria provided, single submitter. Criteria: Ambry Variant Classification Scheme 2023. Collection method: clinical testing. Allele origin: germline.
Comment: The p.F481L variant (also known as c.1441T>C), located in coding exon 12 of the EGFR gene, results from a T to C substitution at nucleotide position 1441. The phenylalanine at codon 481 is replaced by leucine, an amino acid with highly similar properties. This amino acid position is conserved. In addition, this alteration is predicted to be tolerated by in silico analysis. Based on the available evidence, the clinical significance of this variant remains unclear.

Labcorp Genetics (formerly Invitae), Labcorp
Classification: Uncertain significance for EGFR-related lung cancer. Last evaluated: 2020-01-02. Review status: criteria provided, single submitter. Criteria: Invitae Variant Classification Sherloc (09022015). Collection method: clinical testing. Allele origin: germline.
Comment: In summary, the available evidence is currently insufficient to determine the role of this variant in disease. Therefore, it has been classified as a Variant of Uncertain Significance. Algorithms developed to predict the effect of missense changes on protein structure and function are either unavailable or do not agree on the potential impact of this missense change (SIFT: "Tolerated"; PolyPhen-2: "Probably Damaging"; Align-GVGD: "Class C0"). This variant has not been reported in the literature in individuals with EGFR-related conditions. This variant is not present in population databases (ExAC no frequency). This sequence change replaces phenylalanine with leucine at codon 481 of the EGFR protein (p.Phe481Leu). The phenylalanine residue is moderately conserved and there is a small physicochemical difference between phenylalanine and leucine.

NM_005228.5(EGFR):c.1441T>C (p.Phe481Leu)

Gene: EGFR (epidermal growth factor receptor; plus strand). Cytogenetic location: 7p11.2.
Variant type: single nucleotide variant.
Coding change: c.1441T>C on transcript NM_005228.5 (MANE Select); coding-DNA position 1441, T replaced by C.
Protein change: p.Phe481Leu; replaces phenylalanine 481 with leucine.
Molecular consequence: missense variant.
Genome position (GRCh38, 1-based): chr7:55,160,281, T>C. VCF-style: chr7-55160281-T-C. GRCh37 (hg19) VCF-style: chr7-55227974-T-C.
Other names: c.1306T>C, p.Phe436Leu (NM_001346897.2, NM_001346899.2); c.1441T>C, p.Phe481Leu (NM_001346898.2, NM_201282.2, NM_201284.2); c.1282T>C, p.Phe428Leu (NM_001346900.2); c.640T>C, p.Phe214Leu (NM_001346941.2); c.1441T>C (NM_005228.3); short protein forms F214L, F428L, F436L, F481L.
Identifiers: ClinVar variation 1027297 (VCV001027297.9), dbSNP rs1785630756, ClinGen allele CA367579617.